The following is an entry in ClinVar:

NM_004385.5(VCAN):c.4520A>G (p.His1507Arg)

Genes: VCAN (versican; plus strand), VCAN-AS1 (VCAN antisense RNA 1; minus strand). Cytogenetic location: 5q14.3.
Variant type: single nucleotide variant.
Coding change: c.4520A>G on transcript NM_004385.5 (MANE Select); coding-DNA position 4520, A replaced by G.
Protein change: p.His1507Arg; replaces histidine 1507 with arginine.
Molecular consequence: missense variant. On other transcripts: intron variant (2).
Genome position (GRCh38, 1-based): chr5:83,537,523, A>G. VCF-style: chr5-83537523-A-G. GRCh37 (hg19) VCF-style: chr5-82833342-A-G.
Other names: c.1559A>G, p.His520Arg (NM_001164097.2); c.4004-8014A>G (NM_001164098.2); c.1043-8014A>G (NM_001126336.3); short protein forms H520R, H1507R.
Identifiers: ClinVar variation 1516078 (VCV001516078.9), dbSNP rs776021587, ClinGen allele CA3333187.
Genomic context (GRCh38, chr5:83,537,523, plus strand): 5'-CTGAAACATCAGAACATTTTTCAGGTGGTGAGCCTGATGTTTTCCCCACAGTCCCATTCC[A>G]TGAGGAATTTGAAAGTGGAACAGCCAAAAAAGGGGCAGAATCAGTCACAGAGAGAGATAC-3'
Protein context (NP_004376.2, residues 1497-1517): EPDVFPTVPF[His1507Arg]EEFESGTAKK

ClinVar aggregate classification (germline): Uncertain significance. Review status: criteria provided, multiple submitters, no conflicts (2 of 4 stars). 2 submissions from 2 submitters: Uncertain significance (2). Last evaluated 2022-06-20.

Allele frequency attached by ClinVar (database versions not stated): gnomAD exomes below 0.00001 and 0.00001; TOPMed below 0.00001; gnomAD 0.00001; ExAC 0.00002.
gnomAD v4.1: 9 of 1,613,828 alleles (0.00056%); highest among the groups gnomAD compares: Middle Eastern, 0.016%; no homozygotes.

Submissions (2):

Labcorp Genetics (formerly Invitae), Labcorp
Classification: Uncertain significance. Last evaluated: 2022-06-20. Review status: criteria provided, single submitter. Criteria: Invitae Variant Classification Sherloc (09022015). Collection method: clinical testing. Allele origin: germline.
Comment: This sequence change replaces histidine, which is basic and polar, with arginine, which is basic and polar, at codon 1507 of the VCAN protein (p.His1507Arg). This variant is present in population databases (rs776021587, gnomAD 0.01%). This variant has not been reported in the literature in individuals affected with VCAN-related conditions. Algorithms developed to predict the effect of missense changes on protein structure and function output the following: SIFT: "Deleterious"; PolyPhen-2: "Benign"; Align-GVGD: "Class C25". The arginine amino acid residue is found in multiple mammalian species, which suggests that this missense change does not adversely affect protein function. Algorithms developed to predict the effect of sequence changes on RNA splicing suggest that this variant may create or strengthen a splice site. In summary, the available evidence is currently insufficient to determine the role of this variant in disease. Therefore, it has been classified as a Variant of Uncertain Significance.

Breakthrough Genomics
Classification: Uncertain significance. Review status: criteria provided, single submitter. Criteria: ACMG Guidelines, 2015. Collection method: not provided. Allele origin: germline. Inheritance: Autosomal dominant inheritance. Affected: yes.